The following is an entry in ClinVar:

ClinVar aggregate classification (germline): Uncertain significance. Review status: criteria provided, multiple submitters, no conflicts (2 of 4 stars). 2 submissions from 2 submitters: Uncertain significance (2). Last evaluated 2025-01-14.

Conditions:
LAMC2-related disorder. Also called: LAMC2-related condition.
Inborn genetic diseases. Identifiers: MedGen C0950123, MeSH D030342.

gnomAD v4.1: 63 of 1,614,022 alleles (0.0039%); highest among the groups gnomAD compares: East Asian, 0.016%; no homozygotes.

Submissions (2):

PreventionGenetics, part of Exact Sciences
Classification: Uncertain significance for LAMC2-related condition. Last evaluated: 2025-01-14. Review status: criteria provided, single submitter. Criteria: ACMG Guidelines, 2015. Collection method: clinical testing. Allele origin: germline.
Comment: The LAMC2 c.1010G>A variant is predicted to result in the amino acid substitution p.Arg337Gln. To our knowledge, this variant has not been reported in the literature. This variant is reported in 0.020% of alleles in individuals of East Asian descent in gnomAD. At this time, the clinical significance of this variant is uncertain due to the absence of conclusive functional and genetic evidence.

Ambry Genetics
Classification: Uncertain significance for Inborn genetic diseases. Last evaluated: 2024-04-09. Review status: criteria provided, single submitter. Criteria: Ambry Variant Classification Scheme 2023. Collection method: clinical testing. Allele origin: germline.

NM_005562.3(LAMC2):c.1010G>A (p.Arg337Gln)

Gene: LAMC2 (laminin subunit gamma 2; plus strand). Cytogenetic location: 1q25.3.
Variant type: single nucleotide variant.
Coding change: c.1010G>A on transcript NM_005562.3 (MANE Select); coding-DNA position 1010, G replaced by A.
Protein change: p.Arg337Gln; replaces arginine 337 with glutamine.
Molecular consequence: missense variant.
Genome position (GRCh38, 1-based): chr1:183,225,664, G>A. VCF-style: chr1-183225664-G-A. GRCh37 (hg19) VCF-style: chr1-183194799-G-A.
Other names: c.1010G>A, p.Arg337Gln (NM_018891.3); short protein forms R337Q.
Identifiers: ClinVar variation 3290057 (VCV003290057.2).